The following is an entry in ClinVar:

NM_014727.3(KMT2B):c.2633C>T (p.Ala878Val)

Gene: KMT2B (lysine methyltransferase 2B; plus strand). Cytogenetic location: 19q13.12.
Variant type: single nucleotide variant.
Coding change: c.2633C>T on transcript NM_014727.3 (MANE Select); coding-DNA position 2633, C replaced by T.
Protein change: p.Ala878Val; replaces alanine 878 with valine.
Molecular consequence: missense variant.
Genome position (GRCh38, 1-based): chr19:35,722,629, C>T. VCF-style: chr19-35722629-C-T. GRCh37 (hg19) VCF-style: chr19-36213531-C-T.
Other names: short protein forms A878V.
Identifiers: ClinVar variation 5009978 (VCV005009978.1).

ClinVar aggregate classification (germline): Uncertain significance (1 of 4 stars; one submission).

Submission:

GeneDx
Classification: Uncertain significance. Last evaluated: 2026-03-04. Review status: criteria provided, single submitter. Criteria: GeneDx Variant Classification Process June 2021. Collection method: clinical testing. Allele origin: germline.
Comment: Not observed at significant frequency in large population cohorts (gnomAD); In silico analysis suggests that this missense variant does not alter protein structure/function; Has not been previously published as pathogenic or benign to our knowledge